The following is an entry in ClinVar:

NM_000143.4(FH):c.984G>A (p.Met328Ile)

Gene: FH (fumarate hydratase; minus strand). Cytogenetic location: 1q43.
Variant type: single nucleotide variant.
Coding change: c.984G>A on transcript NM_000143.4 (MANE Select); coding-DNA position 984, G replaced by A.
Protein change: p.Met328Ile; replaces methionine 328 with isoleucine.
Molecular consequence: missense variant.
Genome position (GRCh38, 1-based): chr1:241,504,166, C>T on the plus strand (G>A on the coding strand, the complement: FH is on the minus strand). VCF-style: chr1-241504166-C-T. GRCh37 (hg19) VCF-style: chr1-241667466-C-T.
Other names: short protein forms M328I.
Identifiers: ClinVar variation 1768391 (VCV001768391.2), dbSNP rs2527319562, ClinGen allele CA345438282.

ClinVar aggregate classification (germline): Uncertain significance (1 of 4 stars; one submission).

Conditions:
Hereditary cancer-predisposing syndrome. Also called: Hereditary Cancer Syndrome; Hereditary neoplastic syndrome; Neoplastic Syndromes, Hereditary; Tumor predisposition. Identifiers: Orphanet 140162, MedGen C0027672, MeSH D009386, MONDO:0015356.

Submission:

Ambry Genetics
Classification: Uncertain significance for Hereditary cancer-predisposing syndrome. Last evaluated: 2021-03-12. Review status: criteria provided, single submitter. Criteria: Ambry Variant Classification Scheme 2023. Collection method: clinical testing. Allele origin: germline.
Comment: The p.M328I variant (also known as c.984G>A), located in coding exon 7 of the FH gene, results from a G to A substitution at nucleotide position 984. The methionine at codon 328 is replaced by isoleucine, an amino acid with highly similar properties. This amino acid position is not well conserved in available vertebrate species. In addition, the in silico prediction for this alteration is inconclusive. Since supporting evidence is limited at this time, the clinical significance of this alteration remains unclear.